The following is an entry in ClinVar:

ClinVar aggregate classification (germline): Uncertain significance (1 of 4 stars; one submission).

Submission:

GeneDx
Classification: Uncertain significance. Last evaluated: 2026-02-13. Review status: criteria provided, single submitter. Criteria: GeneDx Variant Classification Process June 2021. Collection method: clinical testing. Allele origin: germline.
Comment: Not observed at significant frequency in large population cohorts (gnomAD); In silico analysis supports that this missense variant has a deleterious effect on protein structure/function; Has not been previously published as pathogenic or benign to our knowledge

NM_002070.4(GNAI2):c.817G>A (p.Asp273Asn)

Gene: GNAI2 (G protein subunit alpha i2; plus strand). Cytogenetic location: 3p21.31.
Variant type: single nucleotide variant.
Coding change: c.817G>A on transcript NM_002070.4 (MANE Select); coding-DNA position 817, G replaced by A.
Protein change: p.Asp273Asn; replaces aspartic acid 273 with asparagine.
Molecular consequence: missense variant.
Genome position (GRCh38, 1-based): chr3:50,257,030, G>A. VCF-style: chr3-50257030-G-A. GRCh37 (hg19) VCF-style: chr3-50294462-G-A.
Other names: c.706G>A, p.Asp236Asn (NM_001166425.2); c.661G>A, p.Asp221Asn (NM_001282617.2); c.574G>A, p.Asp192Asn (NM_001282618.2); c.769G>A, p.Asp257Asn (NM_001282619.2, NM_001282620.2); short protein forms D192N, D221N, D236N, D257N, D273N.
Identifiers: ClinVar variation 4975894 (VCV004975894.1).